The following is an entry in ClinVar:

NM_015896.4(ZMYND10):c.778G>A (p.Gly260Arg)

Gene: ZMYND10 (zinc finger MYND-type containing 10; minus strand). Cytogenetic location: 3p21.31.
Variant type: single nucleotide variant.
Coding change: c.778G>A on transcript NM_015896.4 (MANE Select); coding-DNA position 778, G replaced by A.
Protein change: p.Gly260Arg; replaces glycine 260 with arginine.
Molecular consequence: missense variant.
Genome position (GRCh38, 1-based): chr3:50,342,492, C>T on the plus strand (G>A on the coding strand, the complement: ZMYND10 is on the minus strand). VCF-style: chr3-50342492-C-T. GRCh37 (hg19) VCF-style: chr3-50379923-C-T.
Other names: c.778G>A (NM_015896.2); c.763G>A, p.Gly255Arg (NM_001308379.2); short protein forms G255R, G260R.
Identifiers: ClinVar variation 1438577 (VCV001438577.8), dbSNP rs774583071, ClinGen allele CA2417084.

ClinVar aggregate classification (germline): Conflicting classifications of pathogenicity. Review status: criteria provided, conflicting classifications (1 of 4 stars). 3 submissions from 3 submitters: Likely pathogenic (1); Uncertain significance (2). Last evaluated 2025-05-16.

Conditions:
Primary ciliary dyskinesia. Also called: Ciliary dyskinesia. Identifiers: Orphanet 244, MedGen C0008780, MONDO:0016575, HP:0012265.
Primary ciliary dyskinesia 22. Also called: CILIARY DYSKINESIA, PRIMARY, 22, WITH OR WITHOUT SITUS INVERSUS. Identifiers: Orphanet 244, MedGen C3809543, MONDO:0014192, OMIM 615444.

Allele frequency attached by ClinVar (database versions not stated): ExAC 0.00002; gnomAD exomes 0.00002; TOPMed 0.00003; gnomAD 0.00004.

Submissions (3):

GeneDx
Classification: Uncertain significance. Last evaluated: 2025-05-16. Review status: criteria provided, single submitter. Criteria: GeneDx Variant Classification Process June 2021. Collection method: clinical testing. Allele origin: germline.
Comment: In silico analysis supports that this missense variant has a deleterious effect on protein structure/function; Has not been previously published as pathogenic or benign to our knowledge; In silico analysis suggests this variant may impact gene splicing. In the absence of RNA/functional studies, the actual effect of this sequence change is unknown

Genomic Medicine Center of Excellence, King Faisal Specialist Hospital and Research Centre
Classification: Likely pathogenic for Primary ciliary dyskinesia 22. Last evaluated: 2024-03-25. Review status: criteria provided, single submitter. Criteria: ACMG Guidelines, 2015. Collection method: clinical testing. Allele origin: germline.

Labcorp Genetics (formerly Invitae), Labcorp
Classification: Uncertain significance for Primary ciliary dyskinesia. Last evaluated: 2024-01-07. Review status: criteria provided, single submitter. Criteria: Invitae Variant Classification Sherloc (09022015). Collection method: clinical testing. Allele origin: germline.
Comment: This sequence change replaces glycine, which is neutral and non-polar, with arginine, which is basic and polar, at codon 260 of the ZMYND10 protein (p.Gly260Arg). This variant is present in population databases (rs774583071, gnomAD 0.008%). This variant has not been reported in the literature in individuals affected with ZMYND10-related conditions. ClinVar contains an entry for this variant (Variation ID: 1438577). Advanced modeling of protein sequence and biophysical properties (such as structural, functional, and spatial information, amino acid conservation, physicochemical variation, residue mobility, and thermodynamic stability) performed at Invitae indicates that this missense variant is expected to disrupt ZMYND10 protein function with a positive predictive value of 80%. In summary, the available evidence is currently insufficient to determine the role of this variant in disease. Therefore, it has been classified as a Variant of Uncertain Significance.